The following is an entry in ClinVar:

ClinVar aggregate classification (germline): Pathogenic/Likely pathogenic. Review status: criteria provided, multiple submitters, no conflicts (2 of 4 stars). 2 submissions from 2 submitters: Pathogenic (1); Likely pathogenic (1). Last evaluated 2025-12-01.

Conditions:
Myoclonic dystonia 11 (DYT11). Also called: DYT-SGCE; Myoclonic dystonia; Dystonia 11; Dystonia, alcohol responsive; Hereditary essential myoclonus; SGCE Myoclonus-Dystonia. Identifiers: Orphanet 36899, MedGen C1834570, MONDO:0008044, OMIM 159900.

Submissions (2):

Labcorp Genetics (formerly Invitae), Labcorp
Classification: Pathogenic for Myoclonic dystonia 11. Last evaluated: 2025-12-01. Review status: criteria provided, single submitter. Criteria: Invitae Variant Classification Sherloc (09022015). Collection method: clinical testing. Allele origin: germline.
Comment: This sequence change creates a premature translational stop signal (p.Ile289delinsSerArgLys*) in the SGCE gene. It is expected to result in an absent or disrupted protein product. Loss-of-function variants in SGCE are known to be pathogenic (PMID: 12821748, 15389977, 17853490, 24297365). This variant is not present in population databases (gnomAD no frequency). This variant has not been reported in the literature in individuals affected with SGCE-related conditions. ClinVar contains an entry for this variant (Variation ID: 1403187). For these reasons, this variant has been classified as Pathogenic.

Fulgent Genetics
Classification: Likely pathogenic for Myoclonic dystonia 11. Last evaluated: 2024-06-22. Review status: criteria provided, single submitter. Criteria: ACMG Guidelines, 2015. Collection method: clinical testing. Allele origin: germline.

Literature cited by the submitters: PubMed 12821748 (cited by Labcorp Genetics (formerly Invitae), Labcorp); PubMed 15389977 (cited by Labcorp Genetics (formerly Invitae), Labcorp); PubMed 17853490 (cited by Labcorp Genetics (formerly Invitae), Labcorp); PubMed 24297365 (cited by Labcorp Genetics (formerly Invitae), Labcorp).

NM_003919.3(SGCE):c.865_866insGCAGGAAGTGA (p.Ile289delinsSerArgLysTer)

Genes: CASD1 (CAS1 domain sialic acid O acetyltransferase 1; plus strand), SGCE (sarcoglycan epsilon; minus strand). Cytogenetic location: 7q21.3.
Variant type: Insertion.
Coding change: c.865_866insGCAGGAAGTGA on transcript NM_003919.3 (MANE Select); coding-DNA positions 865 to 866, GCAGGAAGTGA inserted.
Protein change: p.Ile289delinsSerArgLysTer.
Molecular consequence: nonsense.
Genome position: GRCh38 VCF-style: chr7-94600817-A-ATCACTTCCTGC. GRCh37 (hg19) VCF-style: chr7-94230129-A-ATCACTTCCTGC.
Other names: c.865_866insGCAGGAAGTGA, p.Ile289delinsSerArgLysTer (NM_001099400.2, NM_001099401.2, NM_001346717.2); c.742_743insGCAGGAAGTGA, p.Ile248delinsSerArgLysTer (NM_001301139.2, NM_001362809.2); c.973_974insGCAGGAAGTGA, p.Ile325delinsSerArgLysTer (NM_001346713.2, NM_001346715.2); c.778_779insGCAGGAAGTGA, p.Ile260delinsSerArgLysTer (NM_001346719.2, NM_001362807.2); c.592_593insGCAGGAAGTGA, p.Ile198delinsSerArgLysTer (NM_001346720.2, NM_001362808.2).
Identifiers: ClinVar variation 1403187 (VCV001403187.9), dbSNP rs2116695697, ClinGen allele CA2573142508.
Genomic context (GRCh38, chr7:94,600,817, plus strand): 5'-TTCAAAGAATCAGAAGGGGGTTTGTATTCTCCACCATCAGGTAAAATCCCCTCTCCACGA[A>ATCACTTCCTGC]TCACTTCCTGATAGGTGGACACTTGCTTTGTTTTATCAACCTGATATAAAAGAAGACAAT-3'